The following is an entry in ClinVar:

NM_007294.4(BRCA1):c.4482_4483del (p.Arg1495fs)

Gene: BRCA1 (BRCA1 DNA repair associated; minus strand). Cytogenetic location: 17q21.31.
Variant type: Deletion.
Coding change: c.4482_4483del on transcript NM_007294.4 (MANE Select); coding-DNA positions 4482 to 4483, 2 bases deleted (AA; older notation c.4482_4483delAA).
Protein change: p.Arg1495fs; shifts the reading frame from arginine 1495.
Molecular consequence: frameshift variant. On other transcripts: non-coding transcript variant (1).
Genome position (GRCh38, 1-based): chr17:43,076,489-43,076,490, TT deleted on the plus strand (AA on the coding strand, the reverse complement: BRCA1 is on the minus strand); deleting any 2 consecutive bases within chr17:43,076,489-43,076,491 gives the same sequence; the c. name uses the placement nearest the transcript's 3' end. VCF-style (leftmost placement, unchanged base first): chr17-43076488-CTT-C. GRCh37 (hg19) VCF-style: chr17-41228505-CTT-C.
Other names: 4601delAA; c.4482_4483delAA (NM_007294.3); c.4268_4269delAA, p.Arg1424Valfs (NM_001407571.1, NM_001407894.1, NM_001407895.1 and 12 more transcripts); c.4547_4548delAA, p.Arg1517Valfs (NM_001407581.1, NM_001407582.1); c.4544_4545delAA, p.Arg1516Valfs (NM_001407583.1, NM_001407585.1, NM_001407587.1); c.4541_4542delAA, p.Arg1515Valfs (NM_001407590.1, NM_001407591.1); c.4481_4482delAA, p.Arg1495Valfs (NM_001407593.1, NM_001407594.1, NM_001407596.1 and 8 more transcripts); c.4478_4479delAA, p.Arg1494Valfs (NM_001407610.1, NM_001407611.1, NM_001407612.1 and 17 more transcripts); and 73 more; short protein forms R1516fs, R391fs, R1448fs, R1495fs.
Identifiers: ClinVar variation 37595 (VCV000037595.8), dbSNP rs80357854, ClinGen allele CA002869.

ClinVar aggregate classification (germline): Pathogenic. Review status: reviewed by expert panel (3 of 4 stars). 6 submissions from 6 submitters: Pathogenic (1). 5 of the submissions do not count toward it. Last evaluated 2016-09-08.

Conditions:
Hereditary cancer-predisposing syndrome. Also called: Tumor predisposition; Neoplastic Syndromes, Hereditary; Hereditary Cancer Syndrome; Hereditary neoplastic syndrome. Identifiers: Orphanet 140162, MedGen C0027672, MeSH D009386, MONDO:0015356.
Hereditary breast ovarian cancer syndrome. Also called: Hereditary breast and ovarian cancer syndrome (HBOC); Hereditary breast and ovarian cancer syndrome; Hereditary breast and ovarian cancer; Hereditary breast and/or ovarian cancer syndrome; Breast and ovarian cancer; BRCA1- and BRCA2-Associated Hereditary Breast and Ovarian Cancer. Identifiers: Orphanet 145, MedGen C0677776, MeSH D061325, MONDO:0003582. Disease mechanism: loss of function.
Breast-ovarian cancer, familial, susceptibility to, 1 (BROVCA1). Also called: OVARIAN CANCER, SUSCEPTIBILITY TO; BRCA1 Hereditary Breast and Ovarian Cancer. Identifiers: Orphanet 145, MedGen C2676676, MONDO:0011450, OMIM 604370. Disease mechanism: loss of function.

Submissions (6):

Evidence-based Network for the Interpretation of Germline Mutant Alleles (ENIGMA)
Classification: Pathogenic for Breast-ovarian cancer, familial, susceptibility to, 1. Last evaluated: 2016-09-08. Review status: reviewed by expert panel. Criteria: ENIGMA BRCA1/2 Classification Criteria (2015). Collection method: curation. Allele origin: germline.
Comment: Variant allele predicted to encode a truncated non-functional protein.

Women's Health and Genetics/Laboratory Corporation of America, LabCorp
Classification: Pathogenic for Hereditary breast ovarian cancer syndrome. Last evaluated: 2026-01-02. Review status: criteria provided, single submitter. Criteria: LabCorp Variant Classification Summary - May 2015. Collection method: clinical testing. Allele origin: germline. Not counted in ClinVar's aggregate classification.
Comment: Variant summary: BRCA1 c.4482_4483delAA (p.Arg1495ValfsX5) results in a premature termination codon, predicted to cause a truncation of the encoded protein or absence of the protein due to nonsense mediated decay, which are commonly known mechanisms for disease. Consensus agreement among computation tools predict no significant impact on normal splicing. However, these predictions have yet to be confirmed by functional studies. The variant was absent in 251172 control chromosomes. c.4482_4483delAA has been observed in individual(s) affected with Hereditary Breast And Ovarian Cancer Syndrome (e.g. Frank_1998). To our knowledge, no experimental evidence demonstrating an impact on protein function has been reported. The following publication have been ascertained in the context of this evaluation (PMID: 9667259). ClinVar contains an entry for this variant (Variation ID: 37595). Based on the evidence outlined above, the variant was classified as pathogenic.

Color Diagnostics, LLC DBA Color Health
Classification: Pathogenic for Hereditary cancer-predisposing syndrome. Last evaluated: 2021-03-30. Review status: criteria provided, single submitter. Criteria: ACMG Guidelines, 2015. Collection method: clinical testing. Allele origin: germline. Not counted in ClinVar's aggregate classification.
Comment: This variant deletes two nucleotides in exon 13 of the BRCA1 gene, creating a frameshift and premature translation stop signal. This variant is expected to result in an absent or non-functional protein product. To our knowledge, functional studies have not been reported for this variant. This variant has been reported in an individual affected with breast cancer (PMID: 9667259). This variant has not been identified in the general population by the Genome Aggregation Database (gnomAD). Loss of BRCA1 function is a known mechanism of disease. Based on the available evidence, this variant is classified as Pathogenic.

Consortium of Investigators of Modifiers of BRCA1/2 (CIMBA), c/o University of Cambridge
Classification: Pathogenic for Breast-ovarian cancer, familial, susceptibility to, 1. Last evaluated: 2015-10-02. Review status: criteria provided, single submitter. Criteria: CIMBA Mutation Classification guidelines May 2016. Collection method: clinical testing. Allele origin: germline. Not counted in ClinVar's aggregate classification.

Sharing Clinical Reports Project (SCRP)
Classification: Pathogenic for Breast-ovarian cancer, familial 1. Last evaluated: 2008-10-20. Review status: no assertion criteria provided. Collection method: clinical testing. Allele origin: germline. Not counted in ClinVar's aggregate classification.

Breast Cancer Information Core (BIC) (BRCA1)
Classification: Pathogenic for Breast-ovarian cancer, familial 1. Last evaluated: 1997-02-15. Review status: no assertion criteria provided. Collection method: clinical testing. Allele origin: germline. Affected: yes. Observed: 4 variant alleles. Not counted in ClinVar's aggregate classification.

Literature cited by the submitters: PubMed 9667259 (cited by Women's Health and Genetics/Laboratory Corporation of America, LabCorp).